The following is an entry in ClinVar:

ClinVar aggregate classification (germline): Uncertain significance (1 of 4 stars; one submission).

Allele frequency attached by ClinVar (database versions not stated): gnomAD exomes below 0.00001.
gnomAD v4.1: 3 of 1,610,110 alleles (0.00019%); highest among the groups gnomAD compares: Non-Finnish European, 0.00025%; no homozygotes.

Submission:

CeGaT Center for Human Genetics Tuebingen
Classification: Uncertain significance. Last evaluated: 2024-02-01. Review status: criteria provided, single submitter. Criteria: CeGaT Center For Human Genetics Tuebingen Variant Classification Criteria Version 2. Collection method: clinical testing. Allele origin: germline. Affected: yes. Observed: 1 variant allele.
Comment: AHDC1: PM2

NM_001371928.1(AHDC1):c.851A>G (p.Asp284Gly)

Gene: AHDC1 (AT-hook DNA binding motif containing 1; minus strand). Cytogenetic location: 1p36.11.
Variant type: single nucleotide variant.
Coding change: c.851A>G on transcript NM_001371928.1 (MANE Select); coding-DNA position 851, A replaced by G.
Protein change: p.Asp284Gly; replaces aspartic acid 284 with glycine.
Molecular consequence: missense variant.
Genome position (GRCh38, 1-based): chr1:27,551,265, T>C on the plus strand (A>G on the coding strand, the complement: AHDC1 is on the minus strand). VCF-style: chr1-27551265-T-C. GRCh37 (hg19) VCF-style: chr1-27877776-T-C.
Other names: c.851A>G, p.Asp284Gly (NM_001029882.3); short protein forms D284G.
Identifiers: ClinVar variation 3027365 (VCV003027365.22), dbSNP rs2522060910, ClinGen allele CA339235942.